The following is an entry in ClinVar:

ClinVar aggregate classification (germline): not provided (0 of 4 stars; one submission).

Conditions:
Gestational diabetes mellitus uncontrolled. Identifiers: MedGen C3532257.

Submission:

Institute of Molecular and Cell Biology, University of Tartu
No classification provided. Condition: Gestational diabetes mellitus uncontrolled. Review status: no classification provided. Collection method: case-control. Allele origin: unknown. Affected: yes. Study: Kasak2014.
Comment: The study aimed to determine the contribution of copy number variants in the genetic etiology of normal and complicated pregnancies. The samples represented (i) maternal blood DNA drawn from healthy pregnant women during 1st or 2nd trimester and (ii) maternal and paternal blood DNA drawn at term pregnancy cases representing normal and complicated gestations (severe preeclampsia, PE; gestational diabetes, GD; small-for-gestational age newborn, SGA; large-for-gestational age newborn, LGA). We performed CNV calling based on genome-wide genotyping dataset (Illumina HumanOmniExpress-24-v1 BeadChip) by applying three algorithms, QuantiSNP, GADA (Genome Alteration Detection Algorithm) and CNstream in parallel. The acquired CNV calls were merged with HD-CNV (Hotspot Detector for Copy Number Variants) program and only the CNVs predicted by at least two programs, were considered in subsequent analysis.

Literature cited by the submitters: PubMed 25666259.

CM000670.1:g.84876695_84890104dup

Variant type: Duplication.
Identifiers: ClinVar variation 157119 (VCV000157119.2).